The following is an entry in ClinVar:

NM_018297.4(NGLY1):c.542A>G (p.His181Arg)

Gene: NGLY1 (N-glycanase 1; minus strand). Cytogenetic location: 3p24.2.
Variant type: single nucleotide variant.
Coding change: c.542A>G on transcript NM_018297.4 (MANE Select); coding-DNA position 542, A replaced by G.
Protein change: p.His181Arg; replaces histidine 181 with arginine.
Molecular consequence: missense variant.
Genome position (GRCh38, 1-based): chr3:25,751,214, T>C on the plus strand (A>G on the coding strand, the complement: NGLY1 is on the minus strand). VCF-style: chr3-25751214-T-C. GRCh37 (hg19) VCF-style: chr3-25792705-T-C.
Other names: c.542A>G, p.His181Arg (NM_001145293.2, NM_001145295.2); c.416A>G, p.His139Arg (NM_001145294.2); short protein forms H139R, H181R.
Identifiers: ClinVar variation 1715510 (VCV001715510.3), dbSNP rs369784943, ClinGen allele CA2289452.

ClinVar aggregate classification (germline): Uncertain significance (1 of 4 stars; one submission).

Conditions:
Congenital disorder of deglycosylation (CDDG). Identifiers: MedGen C3808991, MONDO:0031376.

Allele frequency attached by ClinVar (database versions not stated): ESP Exome Variant Server 0.00008.
gnomAD v4.1: 12 of 1,611,786 alleles (0.00074%); highest among the groups gnomAD compares: South Asian, 0.0022%; no homozygotes.

Submission:

Labcorp Genetics (formerly Invitae), Labcorp
Classification: Uncertain significance for Congenital disorder of deglycosylation. Last evaluated: 2022-08-07. Review status: criteria provided, single submitter. Criteria: Invitae Variant Classification Sherloc (09022015). Collection method: clinical testing. Allele origin: germline.
Comment: This sequence change replaces histidine, which is basic and polar, with arginine, which is basic and polar, at codon 181 of the NGLY1 protein (p.His181Arg). This variant is present in population databases (rs369784943, gnomAD 0.003%). This variant has not been reported in the literature in individuals affected with NGLY1-related conditions. Algorithms developed to predict the effect of missense changes on protein structure and function (SIFT, PolyPhen-2, Align-GVGD) all suggest that this variant is likely to be tolerated. In summary, the available evidence is currently insufficient to determine the role of this variant in disease. Therefore, it has been classified as a Variant of Uncertain Significance.